The following is an entry in ClinVar:

NM_005902.4(SMAD3):c.401-6G>A

Gene: SMAD3 (SMAD family member 3; plus strand). Cytogenetic location: 15q22.33.
Variant type: single nucleotide variant.
Coding change: c.401-6G>A on transcript NM_005902.4 (MANE Select); 6 bases into the intron before coding-DNA position 401, G replaced by A.
Molecular consequence: intron variant.
Genome position (GRCh38, 1-based): chr15:67,165,247, G>A. VCF-style: chr15-67165247-G-A. GRCh37 (hg19) VCF-style: chr15-67457585-G-A.
Other names: c.86-6G>A (NM_001145102.2); c.269-6G>A (NM_001145103.2).
Identifiers: ClinVar variation 213782 (VCV000213782.35), dbSNP rs745672741, ClinGen allele CA323805.

ClinVar aggregate classification (germline): Pathogenic/Likely pathogenic. Review status: criteria provided, multiple submitters, no conflicts (2 of 4 stars). 9 submissions from 9 submitters: Pathogenic (6); Likely pathogenic (1). 2 of the submissions do not count toward it. Last evaluated 2025-12-29.

Conditions:
Familial thoracic aortic aneurysm and aortic dissection (TAAD). Also called: Thoracic aortic aneurysms and dissections. Identifiers: Orphanet 91387, MedGen C4707243, MONDO:0019625.
SMAD3-related disorder. Also called: SMAD3-related condition.
Connective tissue disorder. Also called: Connective tissue disease. Identifiers: MedGen C0009782, MONDO:0003900.
Aneurysm-osteoarthritis syndrome. Also called: SMAD3-Related Loeys-Dietz Syndrome; Loeys-Dietz syndrome, type 1C; ANEURYSMS-OSTEOARTHRITIS SYNDROME; LOEYS-DIETZ SYNDROME WITH OSTEOARTHRITIS. Identifiers: Orphanet 284984, MedGen C3151087, MONDO:0013426, OMIM 613795.

Submissions (9):

Labcorp Genetics (formerly Invitae), Labcorp
Classification: Pathogenic for Familial thoracic aortic aneurysm and aortic dissection. Last evaluated: 2025-12-29. Review status: criteria provided, single submitter. Criteria: Invitae Variant Classification Sherloc (09022015). Collection method: clinical testing. Allele origin: germline.
Comment: This sequence change falls in intron 2 of the SMAD3 gene. It does not directly change the encoded amino acid sequence of the SMAD3 protein. This variant is not present in population databases (gnomAD no frequency). This variant has been observed in individuals with thoracic aortic aneurysms and dissections (TAAD), and Aneurysms-Osteoarthritis Syndrome (OAS) (PMID: 25644172, 25877775; personal communication). It has also been observed to segregate with disease in related individuals. ClinVar contains an entry for this variant (Variation ID: 213782). Algorithms developed to predict the effect of sequence changes on RNA splicing suggest that this variant may disrupt the consensus splice site. For these reasons, this variant has been classified as Pathogenic.

Ambry Genetics
Classification: Likely pathogenic for Familial thoracic aortic aneurysm and aortic dissection. Last evaluated: 2025-04-18. Review status: criteria provided, single submitter. Criteria: Ambry Variant Classification Scheme 2023. Collection method: clinical testing. Allele origin: germline.
Comment: The c.401-6G>A intronic variant results from a G to A substitution 6 nucleotides upstream from coding exon 3 in the SMAD3 gene. This variant was reported in individual(s) with features consistent with SMAD3-related Loeys-Dietz syndrome (Koppen H et al. Headache, 2015 May;55:711-2; Campens L et al. Orphanet J Rare Dis, 2015 Feb;10:9; Arnaud P et al. Genet Med, 2019 09;21:2015-2024; Hostetler EM et al. J Med Genet, 2019 04;56:252-260; Dekker S et al. Eur J Med Genet. 2022 Feb;65(2):104424; Ambry internal data). RNA analysis confirmed the use of a cryptic acceptor site, leading to an out of frame consequence (Arnaud P et al. Genet Med, 2019 09;21:2015-2024). This nucleotide position is well conserved in available vertebrate species. In silico splice site analysis predicts that this alteration will result in the creation or strengthening of a novel splice acceptor site. This variant is considered to be rare based on population cohorts in the Genome Aggregation Database (gnomAD). Based on the majority of available evidence to date, this variant is likely to be pathogenic.

Blueprint Genetics
Classification: Pathogenic for SMAD3-related disorders. Last evaluated: 2024-11-08. Review status: criteria provided, single submitter. Criteria: ACMG Guidelines, 2015. Collection method: clinical testing. Allele origin: germline. Affected: yes. Observed: 5 variant alleles.

CeGaT Center for Human Genetics Tuebingen
Classification: Pathogenic. Last evaluated: 2024-04-01. Review status: criteria provided, single submitter. Criteria: CeGaT Center For Human Genetics Tuebingen Variant Classification Criteria Version 2. Collection method: clinical testing. Allele origin: germline. Affected: yes. Observed: 1 variant allele.
Comment: SMAD3: PVS1, PM2, PS4:Moderate

Baylor Genetics
Classification: Pathogenic for Aneurysm-osteoarthritis syndrome. Last evaluated: 2023-05-13. Review status: criteria provided, single submitter. Criteria: ACMG Guidelines, 2015. Collection method: clinical testing. Allele origin: unknown.

Fulgent Genetics
Classification: Pathogenic for Aneurysm-osteoarthritis syndrome. Last evaluated: 2021-08-04. Review status: criteria provided, single submitter. Criteria: ACMG Guidelines, 2015. Collection method: clinical testing. Allele origin: unknown.

Center for Human Genetics, Inc
Classification: Pathogenic for Connective tissue disorder. Last evaluated: 2016-11-01. Review status: criteria provided, single submitter. Criteria: ACMG Guidelines, 2015. Collection method: clinical testing. Allele origin: germline. Affected: yes.

Clinical Genetics DNA and cytogenetics Diagnostics Lab, Erasmus MC, Erasmus Medical Center
Classification: Pathogenic. Review status: no assertion criteria provided. Collection method: clinical testing. Allele origin: germline. Affected: yes. Study: VKGL Data-share Consensus. Not counted in ClinVar's aggregate classification.

Joint Genome Diagnostic Labs from Nijmegen and Maastricht, Radboudumc and MUMC+
Classification: Pathogenic. Review status: no assertion criteria provided. Collection method: clinical testing. Allele origin: germline. Affected: yes. Study: VKGL Data-share Consensus. Not counted in ClinVar's aggregate classification.

Literature cited by the submitters: PubMed 25644172 (cited by Labcorp Genetics (formerly Invitae), Labcorp and Ambry Genetics); PubMed 25877775 (cited by Labcorp Genetics (formerly Invitae), Labcorp and Ambry Genetics); PubMed 30661052 (cited by Ambry Genetics); PubMed 30739908 (cited by Ambry Genetics); PubMed 35031499 (cited by Ambry Genetics).